The following is an entry in ClinVar:

NM_000102.4(CYP17A1):c.1459_1467del (p.Asp487_Phe489del)

Gene: CYP17A1 (cytochrome P450 family 17 subfamily A member 1; minus strand). Cytogenetic location: 10q24.32.
Variant type: Deletion.
Coding change: c.1459_1467del on transcript NM_000102.4 (MANE Select); coding-DNA positions 1459 to 1467, 9 bases deleted (GACTCTTTC; older notation c.1459_1467delGACTCTTTC).
Protein change: p.Asp487_Phe489del.
Molecular consequence: inframe deletion.
Genome position (GRCh38, 1-based): chr10:102,830,762-102,830,770, GAAAGAGTC deleted on the plus strand (GACTCTTTC on the coding strand, the reverse complement: CYP17A1 is on the minus strand); deleting any 9 consecutive bases within chr10:102,830,762-102,830,772 gives the same sequence; the c. name uses the placement nearest the transcript's 3' end. VCF-style (leftmost placement, unchanged base first): chr10-102830761-TGAAAGAGTC-T. GRCh37 (hg19) VCF-style: chr10-104590518-TGAAAGAGTC-T.
Other names: p.Asp487_Phe489del; c.1459_1467del (NM_000102.3); c.1459_1467delGACTCTTTC (NM_000102.4).
Identifiers: ClinVar variation 631622 (VCV000631622.20), dbSNP rs756135168, ClinGen allele CA5669314.

ClinVar aggregate classification (germline): Pathogenic. Review status: criteria provided, multiple submitters, no conflicts (2 of 4 stars). 6 submissions from 6 submitters: Pathogenic (5). 1 of the submissions does not count toward it. Last evaluated 2025-03-31.

Conditions:
Deficiency of steroid 17-alpha-monooxygenase. Also called: 17-alpha-hydroxylase/17,20-lyase deficiency; 17-ALPHA-HYDROXYLASE DEFICIENCY; ADRENAL HYPERPLASIA V; Congenital adrenal hyperplasia due to 17-alpha-hydroxylase deficiency; Congenital adrenal hyperplasia type 5. Identifiers: Orphanet 90793, MedGen C0268285, MONDO:0008730, OMIM 202110.
17-alpha-hydroxylase/17,20-lyase deficiency, combined complete. Identifiers: MedGen CN042980, MONDO:0800379.

Submissions (6):

Natera, Inc.
Classification: Pathogenic for Deficiency of steroid 17-alpha-monooxygenase. Last evaluated: 2025-03-31. Review status: criteria provided, single submitter. Criteria: Natera Variant Classification Schema (03/2026). Collection method: clinical testing. Allele origin: germline.
Comment: The c.1459_1467delGACTCTTTC variant in CYP17A1 is an in-frame deletion. This variant is rare in the general population with a frequency below the threshold expected for the associated phenotype(s). This variant has been observed in one or more individuals affected with the associated recessive disease, as either homozygous or compound heterozygous with a second variant (PMID: 22103881, 16822828, 25697092). Given the available evidence, this variant is classified as Pathogenic.

GeneDx
Classification: Pathogenic. Last evaluated: 2025-02-26. Review status: criteria provided, single submitter. Criteria: GeneDx Variant Classification Process June 2021. Collection method: clinical testing. Allele origin: germline. Affected: yes.
Comment: Identified in patients with partial 17 alpha-hydroxylase or 17,20-lyase deficiency in published literature (PMID: 36187111, 22087567, 22954317, 36589849); Published functional studies demonstrate a damaging effect with no detectable 17 alpha-hydroxylase or 17,20-lyase activity (PMID: 8345056); In-frame deletion of 3 amino acid(s)in a non-repeat region predicted to critically alter the protein; In silico analysis supports a deleterious effect on protein structure/function; This variant is associated with the following publications: (PMID: 16772352, 19508587, 30352423, 31141483, 8345056, 12706306, 27959413, 25697092, 26770544, 16477341, 31515780, 31980526, 33538981, 35561789, 33547012, 37586839, 36187111, 22087567, 22954317, 36589849, 35043964, 35314707, 36129002)

Labcorp Genetics (formerly Invitae), Labcorp
Classification: Pathogenic. Last evaluated: 2024-02-22. Review status: criteria provided, single submitter. Criteria: Invitae Variant Classification Sherloc (09022015). Collection method: clinical testing. Allele origin: germline.
Comment: This variant, c.1459_1467del, results in the deletion of 3 amino acid(s) of the CYP17A1 protein (p.Asp487_Phe489del), but otherwise preserves the integrity of the reading frame. This variant is present in population databases (rs756135168, gnomAD 0.04%). This variant has been observed in individuals with congenital adrenal hyperplasia (PMID: 8345056, 12706306, 16772352, 19508587, 22087567, 25697092, 27959413). It has also been observed to segregate with disease in related individuals. ClinVar contains an entry for this variant (Variation ID: 631622). Algorithms developed to predict the effect of variants on protein structure and function are not available or were not evaluated for this variant. Experimental studies have shown that this variant affects CYP17A1 function (PMID: 8345056). For these reasons, this variant has been classified as Pathogenic.

Fulgent Genetics
Classification: Pathogenic for Deficiency of steroid 17-alpha-monooxygenase. Last evaluated: 2022-03-23. Review status: criteria provided, single submitter. Criteria: ACMG Guidelines, 2015. Collection method: clinical testing. Allele origin: unknown.

Illumina Laboratory Services, Illumina
Classification: Pathogenic for Deficiency of steroid 17-alpha-monooxygenase. Last evaluated: 2018-08-14. Review status: criteria provided, single submitter. Criteria: ICSL Variant Classification Criteria 09 May 2019. Collection method: clinical testing. Allele origin: germline.
Comment: Across a selection of the available literature, the CYP17A1 c.1459_1467delGACTCTTTC (p.Asp487_Phe489del) inframe deletion variant was identified in a total of 12 individuals affected with congenital adrenal hyperplasia, including in three unrelated individuals in a homozygous state and in a further nine individuals (including one set of three siblings and two sets of two siblings) in a compound heterozygous state (Qiao et al. 2003; Wong et al. 2006; Yang et al. 2006; Bee et al. 2012; Zhu et al. 2015; Xu et al. 2017). Control data are unavailable for the p.Asp487_Phe489del variant which is reported at a frequency of 0.000430 in the East Asian population of the Genome Aggregation Database. Based on the evidence, the p.Asp487_Phe489del variant is classified as pathogenic for congenital adrenal hyperplasia. This variant was observed by ICSL as part of a predisposition screen in an ostensibly healthy population.

OMIM
Classification: Pathogenic for 17-ALPHA-HYDROXYLASE/17,20-LYASE DEFICIENCY, COMBINED COMPLETE. Last evaluated: 2006-09-01. Review status: no assertion criteria provided. Collection method: literature only. Allele origin: germline. Not counted in ClinVar's aggregate classification.

Literature cited by the submitters: PubMed 22103881 (cited by Natera, Inc.); PubMed 16822828 (cited by Natera, Inc.); PubMed 25697092 (cited by Natera, Inc. and Labcorp Genetics (formerly Invitae), Labcorp); PubMed 8345056 (cited by Labcorp Genetics (formerly Invitae), Labcorp); PubMed 12706306 (cited by Labcorp Genetics (formerly Invitae), Labcorp and Illumina Laboratory Services, Illumina); PubMed 16772352 (cited by 3 submitters); PubMed 19508587 (cited by Labcorp Genetics (formerly Invitae), Labcorp); PubMed 22087567 (cited by Labcorp Genetics (formerly Invitae), Labcorp and Illumina Laboratory Services, Illumina); PubMed 27959413 (cited by Labcorp Genetics (formerly Invitae), Labcorp and Illumina Laboratory Services, Illumina); PubMed 26770544 (cited by Illumina Laboratory Services, Illumina); PubMed 16477341 (cited by Illumina Laboratory Services, Illumina).